The following is an entry in ClinVar:

ClinVar aggregate classification (germline): Conflicting classifications of pathogenicity. Review status: criteria provided, conflicting classifications (1 of 4 stars). 6 submissions from 6 submitters: Likely pathogenic (2); Uncertain significance (4). Last evaluated 2026-04-14.

Conditions:
Familial intrahepatic cholestasis. Identifiers: Orphanet 284385, MedGen CN296401, MONDO:0017290.
Progressive familial intrahepatic cholestasis type 2. Identifiers: Orphanet 79304, MedGen C3489789, MONDO:0011156, OMIM 601847.
ABCB11-related disorder. Also called: ABCB11-related condition.

Allele frequency attached by ClinVar (database versions not stated): gnomAD exomes 0.00001; TOPMed 0.00002.
gnomAD v4.1: 10 of 1,613,118 alleles (0.00062%); highest among the groups gnomAD compares: Non-Finnish European, 0.00085%; no homozygotes.

Submissions (6):

Genomenon, Inc
Classification: Uncertain significance for Familial intrahepatic cholestasis. Last evaluated: 2026-04-14. Review status: criteria provided, single submitter. Criteria: Genomenon Sequence Variant Interpretation Standards - Updated. Collection method: curation. Allele origin: germline. Affected: yes.
Comment: ABCB11 p.Ile512Thr (c.1535T>C) is a missense variant that changes the amino acid at residue 512 from Isoleucine to Threonine. This variant has been observed in at least one proband with an ABCB11-related disorder (PMID:18395098). The variant was found to segregate with disease in at least one affected family (PMID:18395098). At least one splicing study demonstrated no effect on splicing (PMID:19101985). It is absent or not present at a significant frequency in gnomAD. In silico models predict that this variant is possibly or probably damaging. In conclusion, we classify ABCB11 p.Ile512Thr (c.1535T>C) as a variant of uncertain significance.

PreventionGenetics, part of Exact Sciences
Classification: Uncertain significance for ABCB11-related condition. Last evaluated: 2025-11-21. Review status: criteria provided, single submitter. Criteria: ACMG Guidelines, 2015. Collection method: clinical testing. Allele origin: germline.
Comment: The ABCB11 c.1535T>C variant is predicted to result in the amino acid substitution p.Ile512Thr. This variant has been reported in an individual with familial progressive intrahepatic cholestasis (Table S1, Strautnieks et al. 2008. PubMed ID: 18395098). This variant has not been reported in a large population database (gnomAD), indicating it is rare. Although we suspect that this variant may be pathogenic, at this time, the clinical significance of this variant is uncertain due to the absence of conclusive functional and genetic evidence.

Natera, Inc.
Classification: Likely pathogenic for Progressive familial intrahepatic cholestasis type 2. Last evaluated: 2025-11-05. Review status: criteria provided, single submitter. Criteria: Natera Variant Classification Schema (03/2026). Collection method: clinical testing. Allele origin: germline.
Comment: The c.1535T>C variant in ABCB11 is a missense variant predicted to cause substitution of isoleucine to threonine at amino acid 512. This variant is rare in the general population with a frequency below the threshold expected for the associated phenotype(s). This variant has been observed in one or more individuals affected with the associated recessive disease, as either homozygous or compound heterozygous with a second variant (PMID: 18395098). Additionally, this variant has been observed to segregate in affected family members (PMID: 18395098). Computational prediction algorithms indicate this variant is likely to affect gene or protein function. Given the available evidence, this variant is classified as Likely Pathogenic.

Broad Center for Mendelian Genomics, Broad Institute of MIT and Harvard
Classification: Uncertain significance for Progressive familial intrahepatic cholestasis type 2. Last evaluated: 2025-01-27. Review status: criteria provided, single submitter. Criteria: ACMG Guidelines, 2015. Collection method: curation. Allele origin: germline. Inheritance: Autosomal recessive inheritance.
Comment: The p.Ile512Thr variant in ABCB11 has been reported in 1 individual with BSEP deficiency (PMID: 18395098), and has been identified in 0.0009% (10/1111438) of European (non-Finnish) chromosomes by the Genome Aggregation Database (gnomAD; dbSNP rs886044202). Although this variant has been seen in the general population in a heterozygous state, its frequency is low enough to be consistent with a recessive carrier frequency. Computational prediction tools and conservation analyses suggest that this variant may impact the protein, though this information is not predictive enough to determine pathogenicity. In summary, the clinical significance of the p.Ile512Thr variant is uncertain. ACMG/AMP Criteria applied: PP3_moderate, PM2_supporting (Richards 2015).

Blueprint Genetics
Classification: Likely pathogenic for ABCB11-related disorders. Last evaluated: 2024-11-04. Review status: criteria provided, single submitter. Criteria: ACMG Guidelines, 2015. Collection method: clinical testing. Allele origin: germline. Affected: yes. Observed: 2 variant alleles.

Eurofins Ntd Llc (ga)
Classification: Uncertain significance. Last evaluated: 2016-07-15. Review status: criteria provided, single submitter. Criteria: EGL Classification Definitions 2015. Collection method: clinical testing. Allele origin: germline. Observed: 1 variant allele, 1 heterozygote.

Literature cited by the submitters: PubMed 18395098 (cited by 3 submitters); PubMed 19101985 (cited by Genomenon, Inc and Eurofins Ntd Llc (ga)).

NM_003742.4(ABCB11):c.1535T>C (p.Ile512Thr)

Gene: ABCB11 (ATP binding cassette subfamily B member 11; minus strand). Cytogenetic location: 2q31.1.
Variant type: single nucleotide variant.
Coding change: c.1535T>C on transcript NM_003742.4 (MANE Select); coding-DNA position 1535, T replaced by C.
Protein change: p.Ile512Thr; replaces isoleucine 512 with threonine.
Molecular consequence: missense variant.
Genome position (GRCh38, 1-based): chr2:168,971,950, A>G on the plus strand (T>C on the coding strand, the complement: ABCB11 is on the minus strand). VCF-style: chr2-168971950-A-G. GRCh37 (hg19) VCF-style: chr2-169828460-A-G.
Other names: NM_003742.4(ABCB11):c.1535T>C; p.Ile512Thr; c.1535T>C (NM_003742.2); c.1535T>C, p.Ile512Thr (LRG_1199t1); short protein forms I512T.
Identifiers: ClinVar variation 289545 (VCV000289545.9), dbSNP rs886044202, ClinGen allele CA10606476.